The following is an entry in ClinVar:

NM_001081.4(CUBN):c.2418A>T (p.Lys806Asn)

Gene: CUBN (cubilin; minus strand). Cytogenetic location: 10p13.
Variant type: single nucleotide variant.
Coding change: c.2418A>T on transcript NM_001081.4 (MANE Select); coding-DNA position 2418, A replaced by T.
Protein change: p.Lys806Asn; replaces lysine 806 with asparagine.
Molecular consequence: missense variant.
Genome position (GRCh38, 1-based): chr10:17,071,855, T>A on the plus strand (A>T on the coding strand, the complement: CUBN is on the minus strand). VCF-style: chr10-17071855-T-A. GRCh37 (hg19) VCF-style: chr10-17113854-T-A.
Other names: short protein forms K806N.
Identifiers: ClinVar variation 1327318 (VCV001327318.2), dbSNP rs764656350, ClinGen allele CA376159649.
Genomic context (GRCh38, chr10:17,071,855, plus strand): 5'-ATTAGACATTTAAAAATTATATGTTTCCTTACCGACTTGATAAACAGCTCTGAAACTAGC[T>A]TTTTCAACAGAAGCATCTATTTTAAACCTGATCCAGACACTATTAGTAATGGATTTAATG-3'
Protein context (NP_001072.2, residues 796-816): IRFKIDASVE[Lys806Asn]ASFRAVYQVA

ClinVar aggregate classification (germline): Uncertain significance (1 of 4 stars; one submission).

Allele frequency attached by ClinVar (database versions not stated): gnomAD 0.00001.
gnomAD v4.1: 1 of 1,612,762 alleles (0.000062%); highest among the groups gnomAD compares: African/African-American, 0.0013%; no homozygotes.

Submission:

GeneDx
Classification: Uncertain significance. Last evaluated: 2021-04-23. Review status: criteria provided, single submitter. Criteria: GeneDx Variant Classification Process June 2021. Collection method: clinical testing. Allele origin: germline. Affected: yes.
Comment: Not observed in large population cohorts (Lek et al., 2016); In silico analysis supports that this missense variant does not alter protein structure/function; Has not been previously published as pathogenic or benign to our knowledge